The following is an entry in ClinVar:

ClinVar aggregate classification (germline): Conflicting classifications of pathogenicity. Review status: criteria provided, conflicting classifications (1 of 4 stars). 5 submissions from 5 submitters: Uncertain significance (1); Benign (1); Likely benign (3). Last evaluated 2026-09-01.

Conditions:
SCN3A-related disorder. Also called: SCN3A-related condition.

Allele frequency attached by ClinVar (database versions not stated): gnomAD 0.00005 and 0.00009; TOPMed 0.00013; gnomAD exomes 0.00015 and 0.00025; ExAC 0.00026.
gnomAD v4.1: 245 of 1,614,122 alleles (0.015%); highest among the groups gnomAD compares: Middle Eastern, 0.28%; 3 homozygotes.

Submissions (5):

CeGaT Center for Human Genetics Tuebingen
Classification: Likely benign. Last evaluated: 2026-09-01. Review status: criteria provided, single submitter. Criteria: CeGaT Center For Human Genetics Tuebingen Variant Classification Criteria Version 2. Collection method: clinical testing. Allele origin: germline. Affected: yes. Observed: 4 variant alleles.
Comment: SCN3A: BP4, BP7, BS1

Labcorp Genetics (formerly Invitae), Labcorp
Classification: Benign. Last evaluated: 2025-12-04. Review status: criteria provided, single submitter. Criteria: Invitae Variant Classification Sherloc (09022015). Collection method: clinical testing. Allele origin: germline.

PreventionGenetics, part of Exact Sciences
Classification: Likely benign for SCN3A-related condition. Last evaluated: 2025-10-15. Review status: criteria provided, single submitter. Criteria: ACMG Guidelines, 2015. Collection method: clinical testing. Allele origin: germline.
Comment: This variant is classified as likely benign based on ACMG/AMP sequence variant interpretation guidelines (Richards et al. 2015 PMID: 25741868, with internal and published modifications).

Blueprint Genetics
Classification: Likely benign. Last evaluated: 2024-09-16. Review status: criteria provided, single submitter. Criteria: ACMG Guidelines, 2015. Collection method: clinical testing. Allele origin: germline.

Eurofins Ntd Llc (ga)
Classification: Uncertain significance. Last evaluated: 2014-03-17. Review status: criteria provided, single submitter. Criteria: EGL Classification Definitions 2015. Collection method: clinical testing. Allele origin: germline. Observed: 1 variant allele, 1 heterozygote.

NM_006922.4(SCN3A):c.4899T>A (p.Arg1633=)

Gene: SCN3A (sodium voltage-gated channel alpha subunit 3; minus strand). Cytogenetic location: 2q24.3.
Variant type: single nucleotide variant.
Coding change: c.4899T>A on transcript NM_006922.4 (MANE Select); coding-DNA position 4899, T replaced by A.
Protein change: p.Arg1633=; no amino-acid change (arginine 1633 retained).
Molecular consequence: synonymous variant.
Genome position (GRCh38, 1-based): chr2:165,091,254, A>T on the plus strand (T>A on the coding strand, the complement: SCN3A is on the minus strand). VCF-style: chr2-165091254-A-T. GRCh37 (hg19) VCF-style: chr2-165947764-A-T.
Other names: c.4752T>A, p.Arg1584= (NM_001081676.2, NM_001081677.2).
Identifiers: ClinVar variation 167649 (VCV000167649.41), dbSNP rs748935500, ClinGen allele CA234881.